The following is an entry in ClinVar:

ClinVar aggregate classification (germline): Likely benign. Review status: criteria provided, multiple submitters, no conflicts (2 of 4 stars). 5 submissions from 5 submitters: Likely benign (5). Last evaluated 2025-07-07.

Conditions:
Familial colorectal cancer type X. Identifiers: Orphanet 440437, MedGen C3896578, MONDO:0018604.
Hereditary cancer-predisposing syndrome. Also called: Hereditary neoplastic syndrome; Tumor predisposition; Neoplastic Syndromes, Hereditary; Hereditary Cancer Syndrome. Identifiers: Orphanet 140162, MedGen C0027672, MeSH D009386, MONDO:0015356.
Ataxia-telangiectasia syndrome (AT). Also called: LOUIS-BAR SYNDROME; ATAXIA-TELANGIECTASIA, COMPLEMENTATION GROUP A; ATAXIA-TELANGIECTASIA, FRESNO VARIANT; Ataxia-telangiectasia; Ataxia telangiectasia (A-T); Cerebello-oculocutaneous telangiectasia. Identifiers: Orphanet 100, MedGen C0004135, MONDO:0008840, OMIM 208900.
Familial cancer of breast. Also called: Hereditary breast cancer; BREAST CANCER, FAMILIAL; hereditary breast carcinoma. Identifiers: Orphanet 227535, MedGen C0346153, MONDO:0016419, OMIM 114480. Disease mechanism: loss of function.

gnomAD v4.1: 9 of 1,519,854 alleles (0.00059%); highest among the groups gnomAD compares: South Asian, 0.0034%; no homozygotes.

Submissions (5):

Labcorp Genetics (formerly Invitae), Labcorp
Classification: Likely benign for Ataxia-telangiectasia syndrome. Last evaluated: 2025-07-07. Review status: criteria provided, single submitter. Criteria: Invitae Variant Classification Sherloc (09022015). Collection method: clinical testing. Allele origin: germline.

Myriad Genetics, Inc.
Classification: Likely benign for Familial cancer of breast. Last evaluated: 2024-05-16. Review status: criteria provided, single submitter. Criteria: Myriad Autosomal Dominant, Autosomal Recessive and X-Linked Classification Criteria (2023). Collection method: clinical testing. Allele origin: unknown.
Comment: This variant is considered likely benign. This variant is intronic and is not expected to impact mRNA splicing.

Department of Pathology and Laboratory Medicine, Sinai Health System
Classification: Likely benign for Familial colorectal cancer type X. Last evaluated: 2023-09-15. Review status: criteria provided, single submitter. Criteria: ACMG Guidelines, 2015. Collection method: clinical testing. Allele origin: germline. Affected: yes.

Color Diagnostics, LLC DBA Color Health
Classification: Likely benign for Hereditary cancer-predisposing syndrome. Last evaluated: 2019-04-17. Review status: criteria provided, single submitter. Criteria: ACMG Guidelines, 2015. Collection method: clinical testing. Allele origin: germline.

GeneDx
Classification: Likely benign. Last evaluated: 2016-12-28. Review status: criteria provided, single submitter. Criteria: GeneDx Variant Classification (06012015). Collection method: clinical testing. Allele origin: germline. Affected: yes.
Comment: This variant is considered likely benign or benign based on one or more of the following criteria: it is a conservative change, it occurs at a poorly conserved position in the protein, it is predicted to be benign by multiple in silico algorithms, and/or has population frequency not consistent with disease.

NM_000051.4(ATM):c.3994-12G>A

Gene: ATM (ATM serine/threonine kinase; plus strand). Cytogenetic location: 11q22.3.
Variant type: single nucleotide variant.
Coding change: c.3994-12G>A on transcript NM_000051.4 (MANE Select); 12 bases into the intron before coding-DNA position 3994, G replaced by A.
Molecular consequence: intron variant.
Genome position (GRCh38, 1-based): chr11:108,287,588, G>A. VCF-style: chr11-108287588-G-A. GRCh37 (hg19) VCF-style: chr11-108158315-G-A.
Other names: c.3994-12G>A (NM_001351834.2).
Identifiers: ClinVar variation 378983 (VCV000378983.8), dbSNP rs1057520398, ClinGen allele CA16606068.
Genomic context (GRCh38, chr11:108,287,588, plus strand): 5'-TATGCCTTTTGAGCTGTCTTGACGTTCACAGATATAAAATATTAAATATATTTTAATTTT[G>A]TGCCCTTGCAGATTGATCACTTATTCATTAGTAATTTACCAGAGATTGTGGTGGAGTTAT-3'